The following continues an entry in ClinVar:

NM_000135.4(FANCA):c.2602-13CT[2]

ClinVar aggregate classification (germline): Conflicting classifications of pathogenicity. Likely pathogenic (4); Uncertain significance (10); Benign (1).

Submissions 15 to 16 of 16:

Genetic Services Laboratory, University of Chicago
Classification: Uncertain significance. Last evaluated: 2019-12-16. Review status: criteria provided, single submitter. Criteria: ACMG Guidelines, 2015. Collection method: clinical testing. Allele origin: germline. Affected: no.
Comment: DNA sequence analysis of the FANCA gene demonstrated a sequence change in intron 27, c.2602-9_2602-8del. This sequence change has been described in the gnomAD database with a frequency of 0.17% in European populations (dbSNP rs577636020). This sequence change, in addition to a large pathogenic deletion, has been identified in a Fanconi anemia family. RNA analysis of these individuals demonstrated skipping of exons 28-30 in the presence of this sequence change (PMID: 29098742). This sequence change is also predicted to have a deleterious effect on splicing based on in silico splice prediction programs. The functional significance of this sequence change is not known at present.

PreventionGenetics, part of Exact Sciences
Classification: Uncertain significance for FANCA-related condition. Last evaluated: 2024-05-21. Review status: no assertion criteria provided. Collection method: clinical testing. Allele origin: germline. Not counted in ClinVar's aggregate classification.
Comment: The FANCA c.2602-9_2602-8delCT variant is predicted to result in an intronic deletion. This variant has been reported in two related individuals with Fanconi anemia (FA) who also harbored a partial deletion of FANCA on the opposite allele (Kimble et al. 2018. PubMed ID: 29098742). This variant has also been reported in several individuals with cancer (Bonache et al. 2018. PubMed ID: 30306255; Schubert et al. 2019. PubMed ID: 30426508; Del Valle et al. 2020. PubMed ID: 32235514; Fiala et al. 2021. PubMed ID: 34308366), although some of these individuals also have pathogenic variants in other genes associated with increased cancer risk (see Truong et al. 2021. PubMed ID: 34654685). In silico splicing prediction programs indicate that this variant weakens the adjacent canonical acceptor site (Alamut Visual Plus v1.6.1; SpliceAI, Jaganathan et al. 2019. PubMed ID: 30661751), and RNA analysis confirmed the presence of altered splice variants in FA patient cell lines (Kimble et al. 2018. PubMed ID: 29098742). A different study in patients with suspected hereditary cancer disorders stated that normal splicing was observed but did not provide supporting data for review (Del Valle et al. 2020. PubMed ID: 32235514). This variant is reported in 0.17% (42 of 25,108) of alleles in individuals of European (Finnish) descent in gnomAD but only occurs in 0.063% (162 of 257,444) of alleles in non-Finnish populations. Taken together, at this time, the clinical significance of this variant is uncertain due to the  absence of conclusive functional and genetic evidence.

Literature cited by the submitters: PubMed 29098742 (cited by 4 submitters); PubMed 30426508 (cited by Quest Diagnostics Nichols Institute San Juan Capistrano and Women's Health and Genetics/Laboratory Corporation of America, LabCorp); PubMed 34654685 (cited by Quest Diagnostics Nichols Institute San Juan Capistrano and Women's Health and Genetics/Laboratory Corporation of America, LabCorp); PubMed 34308366 (cited by Quest Diagnostics Nichols Institute San Juan Capistrano and Women's Health and Genetics/Laboratory Corporation of America, LabCorp); PubMed 39150540 (cited by Quest Diagnostics Nichols Institute San Juan Capistrano and Women's Health and Genetics/Laboratory Corporation of America, LabCorp); PubMed 32235514 (cited by Quest Diagnostics Nichols Institute San Juan Capistrano and Women's Health and Genetics/Laboratory Corporation of America, LabCorp); PubMed 30306255 (cited by Quest Diagnostics Nichols Institute San Juan Capistrano and Women's Health and Genetics/Laboratory Corporation of America, LabCorp); PubMed 28873162 (cited by Department of Pediatrics, Memorial Sloan Kettering Cancer Center).